The following is an entry in ClinVar:

NM_002734.5(PRKAR1A):c.282G>T (p.Arg94Ser)

Gene: PRKAR1A (protein kinase cAMP-dependent type I regulatory subunit alpha; plus strand). Cytogenetic location: 17q24.2.
Variant type: single nucleotide variant.
Coding change: c.282G>T on transcript NM_002734.5 (MANE Select); coding-DNA position 282, G replaced by T.
Protein change: p.Arg94Ser; replaces arginine 94 with serine.
Molecular consequence: missense variant.
Genome position (GRCh38, 1-based): chr17:68,522,860, G>T. VCF-style: chr17-68522860-G-T. GRCh37 (hg19) VCF-style: chr17-66519001-G-T.
Other names: c.282G>T, p.Arg94Ser (NM_001276289.2, NM_001276290.1, NM_001278433.2 and 4 more transcripts); short protein forms R94S.
Identifiers: ClinVar variation 5027314 (VCV005027314.1).

ClinVar aggregate classification (germline): Uncertain significance (1 of 4 stars; one submission).

Conditions:
Hereditary cancer-predisposing syndrome. Also called: Neoplastic Syndromes, Hereditary; Tumor predisposition; Hereditary neoplastic syndrome; Hereditary Cancer Syndrome. Identifiers: Orphanet 140162, MedGen C0027672, MeSH D009386, MONDO:0015356.

Submission:

Ambry Genetics
Classification: Uncertain significance for Hereditary cancer-predisposing syndrome. Last evaluated: 2026-07-06. Review status: criteria provided, single submitter. Criteria: Ambry Variant Classification Scheme 2023. Collection method: clinical testing. Allele origin: germline.
Comment: The p.R94S variant (also known as c.282G>T), located in coding exon 2 of the PRKAR1A gene, results from a G to T substitution at nucleotide position 282. The arginine at codon 94 is replaced by serine, an amino acid with dissimilar properties. This amino acid position is conserved. In addition, this alteration is predicted to be deleterious by in silico analysis. Based on the available evidence, the clinical significance of this variant remains unclear.